The following is an entry in ClinVar:

NM_025137.4(SPG11):c.5563T>G (p.Leu1855Val)

Gene: SPG11 (SPG11 vesicle trafficking associated, spatacsin; minus strand). Cytogenetic location: 15q21.1.
Variant type: single nucleotide variant.
Coding change: c.5563T>G on transcript NM_025137.4 (MANE Select); coding-DNA position 5563, T replaced by G.
Protein change: p.Leu1855Val; replaces leucine 1855 with valine.
Molecular consequence: missense variant.
Genome position (GRCh38, 1-based): chr15:44,584,117, A>C on the plus strand (T>G on the coding strand, the complement: SPG11 is on the minus strand). VCF-style: chr15-44584117-A-C. GRCh37 (hg19) VCF-style: chr15-44876315-A-C.
Other names: c.5563T>G, p.Leu1855Val (NM_001160227.2); c.5419T>G, p.Leu1807Val (NM_001411132.1); short protein forms L1807V, L1855V.
Identifiers: ClinVar variation 4995264 (VCV004995264.1).

ClinVar aggregate classification (germline): Uncertain significance (1 of 4 stars; one submission).

Conditions:
SPG11-related disorder. Also called: SPG11-related condition.

gnomAD v4.1: 1 of 1,614,222 alleles (0.000062%); highest among the groups gnomAD compares: Non-Finnish European, 0.000085%; no homozygotes.

Submission:

PreventionGenetics, part of Exact Sciences
Classification: Uncertain significance for SPG11-related condition. Last evaluated: 2026-09-22. Review status: criteria provided, single submitter. Criteria: ACMG Guidelines, 2015. Collection method: clinical testing. Allele origin: germline.
Comment: The SPG11 c.5563T>G variant is predicted to result in the amino acid substitution p.Leu1855Val. To our knowledge, this variant has not been reported in the literature or in a large population database (gnomAD), indicating this variant is rare. At this time, the clinical significance of this variant is uncertain due to the absence of conclusive functional and genetic evidence.